The following is an entry in ClinVar:

ClinVar aggregate classification (germline): Uncertain significance (1 of 4 stars; one submission).

Submission:

GeneDx
Classification: Uncertain significance. Last evaluated: 2025-01-10. Review status: criteria provided, single submitter. Criteria: GeneDx Variant Classification Process June 2021. Collection method: clinical testing. Allele origin: germline. Affected: yes.
Comment: Not observed at significant frequency in large population cohorts (gnomAD); In silico analysis supports that this missense variant has a deleterious effect on protein structure/function; Has not been previously published as pathogenic or benign to our knowledge; This variant is associated with the following publications: (PMID: 14633923)

NM_020975.6(RET):c.1148G>T (p.Gly383Val)

Gene: RET (ret proto-oncogene; plus strand). Cytogenetic location: 10q11.21.
Variant type: single nucleotide variant.
Coding change: c.1148G>T on transcript NM_020975.6 (MANE Select); coding-DNA position 1148, G replaced by T.
Protein change: p.Gly383Val; replaces glycine 383 with valine.
Molecular consequence: missense variant. On other transcripts: intron variant (18).
Genome position (GRCh38, 1-based): chr10:43,109,115, G>T. VCF-style: chr10-43109115-G-T. GRCh37 (hg19) VCF-style: chr10-43604563-G-T.
Other names: c.386G>T, p.Gly129Val (NM_001355216.2); c.1148G>T, p.Gly383Val (NM_001406743.1, NM_001406744.1, NM_001406759.1 and 4 more transcripts); c.1019G>T, p.Gly340Val (NM_001406761.1, NM_001406762.1, NM_001406764.1 and 1 more transcripts); c.860G>T, p.Gly287Val (NM_001406766.1, NM_001406767.1, NM_001406770.1); c.710G>T, p.Gly237Val (NM_001406771.1, NM_001406773.1); c.422G>T, p.Gly141Val (NM_001406775.1, NM_001406776.1, NM_001406777.1 and 1 more transcripts); c.158G>T, p.Gly53Val (NM_001406784.1); c.868-2092G>T (NM_001406772.1, NM_001406769.1); and 5 more; short protein forms G129V, G141V, G237V, G287V, G340V, G383V, G53V.
Identifiers: ClinVar variation 4057024 (VCV004057024.1).